The following is an entry in ClinVar:

NC_000019.10:g.39252525T>G

Gene: IFNL3 (interferon lambda 3; minus strand). Cytogenetic location: 19q13.2.
Variant type: single nucleotide variant.
Genome position: GRCh38 VCF-style: chr19-39252525-T-G. GRCh37 (hg19) VCF-style: chr19-39743165-T-G.
Identifiers: ClinVar variation 226027 (VCV000226027.4), dbSNP rs8099917, ClinGen allele CA10576189.

ClinVar aggregate classification (germline): drug response. Review status: reviewed by expert panel (3 of 4 stars). 3 submissions from 2 submitters: drug response (2). 1 of the submissions does not count toward it. Last evaluated 2021-03-29.

Conditions:
peginterferon alfa-2a, peginterferon alfa-2b, ribavirin, and telaprevir response - Efficacy. Identifiers: MedGen CN322719.
interferons, peginterferon alfa-2a, peginterferon alfa-2b, and ribavirin response - Efficacy. Identifiers: MedGen CN322717.

Allele frequency attached by ClinVar (database versions not stated): 1000 Genomes Project 0.13119; 1000 Genomes Project 30x 0.13523; gnomAD 0.15536 and 0.15583; TOPMed 0.16468.

Submissions (3):

ClinPGx
Classification: drug response for interferons, peginterferon alfa-2a, peginterferon alfa-2b and ribavirin response - Efficacy. Last evaluated: 2021-03-29. Review status: reviewed by expert panel. Criteria: Pharmacogenomics knowledge for personalized medicine. Collection method: curation. Allele origin: germline. Affected: yes.
Comment: PharmGKB Level of Evidence 1B: Level 1B clinical annotations describe variant-drug combinations with a high level of evidence supporting the association but no variant-specific prescribing guidance in an annotated clinical guideline or FDA drug label. Level 1B clinical annotations must be supported by at least two independent publications.

Drug is not necessarily used to treat response condition

ClinPGx
Classification: drug response for peginterferon alfa-2a, peginterferon alfa-2b, ribavirin and telaprevir response - Efficacy. Last evaluated: 2021-03-24. Review status: reviewed by expert panel. Criteria: Pharmacogenomics knowledge for personalized medicine. Collection method: curation. Allele origin: germline. Affected: yes.
Comment: PharmGKB Level of Evidence 2A: Variants in Level 2A clinical annotations are found in PharmGKB’s Tier 1 Very Important Pharmacogenes (VIPs). These variants are in known pharmacogenes, implying causation of drug phenotype is more likely. These clinical annotations describe variant-drug combinations with a moderate level of evidence supporting the association. For example, the association may be found in multiple cohorts, but there may be a minority of studies that do not support the majority assertion. Level 2A clinical annotations must be supported by at least two independent publications.

Drug is not necessarily used to treat response condition

GeneDx
Classification: Benign. Last evaluated: 2018-03-14. Review status: criteria provided, single submitter. Criteria: GeneDx Variant Classification (06012015). Collection method: clinical testing. Allele origin: germline. Affected: yes. Not counted in ClinVar's aggregate classification.
Comment: This variant is considered likely benign or benign based on one or more of the following criteria: it is a conservative change, it occurs at a poorly conserved position in the protein, it is predicted to be benign by multiple in silico algorithms, and/or has population frequency not consistent with disease.

Literature cited by the submitters: PubMed 19749757 (cited by ClinPGx); PubMed 19749758 (cited by ClinPGx); PubMed 20060832 (cited by ClinPGx); PubMed 20434452 (cited by ClinPGx); PubMed 21048934 (cited by ClinPGx); PubMed 21068134 (cited by ClinPGx); PubMed 21112657 (cited by ClinPGx); PubMed 21112660 (cited by ClinPGx); PubMed 21145807 (cited by ClinPGx); PubMed 21254157 (cited by ClinPGx); PubMed 21321200 (cited by ClinPGx); PubMed 21346780 (cited by ClinPGx); PubMed 21360545 (cited by ClinPGx); PubMed 21374656 (cited by ClinPGx); PubMed 21384511 (cited by ClinPGx); PubMed 21390311 (cited by ClinPGx); PubMed 21466653 (cited by ClinPGx); PubMed 21503910 (cited by ClinPGx); PubMed 21739446 (cited by ClinPGx); PubMed 21745312 (cited by ClinPGx); PubMed 21907615 (cited by ClinPGx); PubMed 21911885 (cited by ClinPGx); PubMed 21931540 (cited by ClinPGx); PubMed 21987611 (cited by ClinPGx); PubMed 22301466 (cited by ClinPGx); PubMed 22328925 (cited by ClinPGx); PubMed 22345656 (cited by ClinPGx); PubMed 22438096 (cited by ClinPGx); PubMed 22863269 (cited by ClinPGx); PubMed 23133602 (cited by ClinPGx); PubMed 23142377 (cited by ClinPGx); PubMed 23281610 (cited by ClinPGx); PubMed 23730840 (cited by ClinPGx); PubMed 24102823 (cited by ClinPGx); PubMed 24308755 (cited by ClinPGx); PubMed 24355007 (cited by ClinPGx); PubMed 24768758 (cited by ClinPGx); PubMed 24929144 (cited by ClinPGx); PubMed 25278709 (cited by ClinPGx); PubMed 25852275 (cited by ClinPGx); PubMed 26003758 (cited by ClinPGx); PubMed 26075078 (cited by ClinPGx); PubMed 26334898 (cited by ClinPGx); PubMed 26699619 (cited by ClinPGx); PubMed 26825765 (cited by ClinPGx); PubMed 20648473 (cited by ClinPGx); PubMed 21246582 (cited by ClinPGx); PubMed 21628662 (cited by ClinPGx); PubMed 24117654 (cited by ClinPGx); PubMed 24362944 (cited by ClinPGx); PubMed 25393304 (cited by ClinPGx).